The following is an entry in ClinVar:

NM_133497.4(KCNV2):c.1294G>A (p.Val432Met)

Gene: KCNV2 (potassium voltage-gated channel modifier subfamily V member 2; plus strand). Cytogenetic location: 9p24.2.
Variant type: single nucleotide variant.
Coding change: c.1294G>A on transcript NM_133497.4 (MANE Select); coding-DNA position 1294, G replaced by A.
Protein change: p.Val432Met; replaces valine 432 with methionine.
Molecular consequence: missense variant.
Genome position (GRCh38, 1-based): chr9:2,719,033, G>A. VCF-style: chr9-2719033-G-A. GRCh37 (hg19) VCF-style: chr9-2719033-G-A.
Other names: short protein forms V432M.
Identifiers: ClinVar variation 2127159 (VCV002127159.4), dbSNP rs373961607, ClinGen allele CA187974348.
Genomic context (GRCh38, chr9:2,719,033, plus strand): 5'-GGCTGCCTGCTGCTCTTCATCGCCATGGGCATCTTCACTTTCTCTGCGGCTGTCTACTCT[G>A]TGGAGCACGATGTGCCCAGCACCAACTTCACTACCATCCCCCACTCCTGGTGGTGGGCCG-3'
Protein context (NP_598004.1, residues 422-442): IFTFSAAVYS[Val432Met]EHDVPSTNFT

ClinVar aggregate classification (germline): Uncertain significance (1 of 4 stars; one submission).

Allele frequency attached by ClinVar (database versions not stated): TOPMed 0.00003; ESP Exome Variant Server 0.00008; gnomAD exomes below 0.00001.

Submission:

Labcorp Genetics (formerly Invitae), Labcorp
Classification: Uncertain significance. Last evaluated: 2024-10-24. Review status: criteria provided, single submitter. Criteria: Invitae Variant Classification Sherloc (09022015). Collection method: clinical testing. Allele origin: germline.
Comment: This sequence change replaces valine, which is neutral and non-polar, with methionine, which is neutral and non-polar, at codon 432 of the KCNV2 protein (p.Val432Met). This variant is not present in population databases (gnomAD no frequency). This variant has not been reported in the literature in individuals affected with KCNV2-related conditions. ClinVar contains an entry for this variant (Variation ID: 2127159). Invitae Evidence Modeling of protein sequence and biophysical properties (such as structural, functional, and spatial information, amino acid conservation, physicochemical variation, residue mobility, and thermodynamic stability) indicates that this missense variant is not expected to disrupt KCNV2 protein function with a negative predictive value of 95%. In summary, the available evidence is currently insufficient to determine the role of this variant in disease. Therefore, it has been classified as a Variant of Uncertain Significance.